The following is an entry in ClinVar:

ClinVar aggregate classification (germline): Uncertain significance (1 of 4 stars; one submission).

Submission:

Ambry Genetics
Classification: Uncertain significance. Last evaluated: 2025-08-20. Review status: criteria provided, single submitter. Criteria: Ambry Variant Classification Scheme 2023. Collection method: clinical testing. Allele origin: germline.
Comment: The p.I130S variant (also known as c.389T>G), located in coding exon 4 of the KIF1B gene, results from a T to G substitution at nucleotide position 389. The isoleucine at codon 130 is replaced by serine, an amino acid with dissimilar properties. This amino acid position is conserved. In addition, this alteration is predicted to be deleterious by in silico analysis. Based on the available evidence, the clinical significance of this variant remains unclear.

NM_001365951.3(KIF1B):c.389T>G (p.Ile130Ser)

Genes: KIF1B (kinesin family member 1B; plus strand), LOC129388447 (MPRA-validated peak65 silencer; plus strand). Cytogenetic location: 1p36.22.
Variant type: single nucleotide variant.
Coding change: c.389T>G on transcript NM_001365951.3 (MANE Select); coding-DNA position 389, T replaced by G.
Protein change: p.Ile130Ser; replaces isoleucine 130 with serine.
Molecular consequence: missense variant.
Genome position (GRCh38, 1-based): chr1:10,261,930, T>G. VCF-style: chr1-10261930-T-G. GRCh37 (hg19) VCF-style: chr1-10321988-T-G.
Other names: c.389T>G, p.Ile130Ser (NM_001365952.1, NM_001365953.1, NM_015074.3 and 1 more transcripts); short protein forms I130S.
Identifiers: ClinVar variation 4092374 (VCV004092374.1).
Genomic context (GRCh38, chr1:10,261,930, plus strand): 5'-GTGCTCTTCATGCCTCTCTCATTCTACTTCCCTAGTTATGTGAAGAACTTTTTGAGAAAA[T>G]CAATGACAACTGTAATGAAGAAATGTCTTACTCTGTAGAGGTGAGTACAGCCGTGAGTTG-3'
Protein context (NP_001352880.1, residues 120-140): PQLCEELFEK[Ile130Ser]NDNCNEEMSY